The following is an entry in ClinVar:

NM_001384910.1(GUCA1A):c.*331A>G

Genes: GUCA1A (guanylate cyclase activator 1A; plus strand), GUCA1ANB-GUCA1A (GUCA1ANB-GUCA1A readthrough; plus strand). Cytogenetic location: 6p21.1.
Variant type: single nucleotide variant.
Coding change: c.*331A>G on transcript NM_001384910.1 (MANE Select); 331 bases downstream of the stop codon, A replaced by G.
Molecular consequence: 3 prime UTR variant.
Genome position (GRCh38, 1-based): chr6:42,179,734, A>G. VCF-style: chr6-42179734-A-G. GRCh37 (hg19) VCF-style: chr6-42147472-A-G.
Other names: c.*331A>G (NM_000409.5, NM_001319061.2, NM_001319062.2).
Identifiers: ClinVar variation 356695 (VCV000356695.6), dbSNP rs45553838, ClinGen allele CA10622079.
Genomic context (GRCh38, chr6:42,179,734, plus strand): 5'-TAGCCCTTCTGACTCCTCTCCCAGCTTTTCCCAGCTTTCCCCACTGAGCTTCTCCAGTCC[A>G]TGCTCTTCTGGACGTGGACTCTCTGAGGCAGAACTGAGCTTTTCCAGGCCTCTTATGGAA-3'

ClinVar aggregate classification (germline): Likely benign (1 of 4 stars; one submission).

Conditions:
Cone dystrophy 3 (COD3). Also called: RETINAL CONE DYSTROPHY. Identifiers: Orphanet 1872, MedGen C1865869, MONDO:0011193, OMIM 602093.

Allele frequency attached by ClinVar (database versions not stated): gnomAD exomes 0.00074; gnomAD 0.00510; TOPMed 0.00527; 1000 Genomes Project 30x 0.00687; 1000 Genomes Project 0.00699.

Submission:

Illumina Laboratory Services, Illumina
Classification: Likely benign for Cone dystrophy 3. Last evaluated: 2018-01-13. Review status: criteria provided, single submitter. Criteria: ICSL Variant Classification Criteria 13 December 2019. Collection method: clinical testing. Allele origin: germline.
Comment: This variant was observed in the ICSL laboratory as part of a predisposition screen in an ostensibly healthy population. It had not been previously curated by ICSL or reported in the Human Gene Mutation Database (HGMD: prior to June 1st, 2018), and was therefore a candidate for classification through an automated scoring system. Utilizing variant allele frequency, disease prevalence and penetrance estimates, and inheritance mode, an automated score was calculated to assess if this variant is too frequent to cause the disease. Based on the score and internal cut-off values, a variant classified as likely benign is not then subjected to further curation. The score for this variant resulted in a classification of likely benign for this disease.